The following is an entry in ClinVar:

ClinVar aggregate classification (germline): Uncertain significance. Review status: criteria provided, multiple submitters, no conflicts (2 of 4 stars). 2 submissions from 2 submitters: Uncertain significance (2). Last evaluated 2024-02-28.

Conditions:
Severe combined immunodeficiency due to DNA-PKcs deficiency. Also called: IMMUNODEFICIENCY 26 WITH NEUROLOGIC ABNORMALITIES; Immunodeficiency 26 with or without neurologic abnormalities. Identifiers: Orphanet 317425, MedGen C4014833, MONDO:0014423, OMIM 615966.

Allele frequency attached by ClinVar (database versions not stated): TOPMed 0.00002.
gnomAD v4.1: 24 of 1,613,544 alleles (0.0015%); highest among the groups gnomAD compares: South Asian, 0.0044%; no homozygotes.

Submissions (2):

Ambry Genetics
Classification: Uncertain significance. Last evaluated: 2024-02-28. Review status: criteria provided, single submitter. Criteria: Ambry Variant Classification Scheme 2023. Collection method: clinical testing. Allele origin: germline.

Labcorp Genetics (formerly Invitae), Labcorp
Classification: Uncertain significance for Severe combined immunodeficiency due to DNA-PKcs deficiency. Last evaluated: 2022-08-16. Review status: criteria provided, single submitter. Criteria: Invitae Variant Classification Sherloc (09022015). Collection method: clinical testing. Allele origin: germline.
Comment: This sequence change replaces proline, which is neutral and non-polar, with arginine, which is basic and polar, at codon 764 of the PRKDC protein (p.Pro764Arg). This variant is present in population databases (rs374576070, gnomAD 0.005%). This variant has not been reported in the literature in individuals affected with PRKDC-related conditions. ClinVar contains an entry for this variant (Variation ID: 838957). Experimental studies and prediction algorithms are not available or were not evaluated, and the functional significance of this variant is currently unknown. In summary, the available evidence is currently insufficient to determine the role of this variant in disease. Therefore, it has been classified as a Variant of Uncertain Significance.

NM_006904.7(PRKDC):c.2291C>G (p.Pro764Arg)

Gene: PRKDC (protein kinase, DNA-activated, catalytic subunit; minus strand). Cytogenetic location: 8q11.21.
Variant type: single nucleotide variant.
Coding change: c.2291C>G on transcript NM_006904.7 (MANE Select); coding-DNA position 2291, C replaced by G.
Protein change: p.Pro764Arg; replaces proline 764 with arginine.
Molecular consequence: missense variant.
Genome position (GRCh38, 1-based): chr8:47,927,322, G>C on the plus strand (C>G on the coding strand, the complement: PRKDC is on the minus strand). VCF-style: chr8-47927322-G-C. GRCh37 (hg19) VCF-style: chr8-48839882-G-C.
Other names: c.2291C>G, p.Pro764Arg (NM_001081640.2); short protein forms P764R.
Identifiers: ClinVar variation 838957 (VCV000838957.4), dbSNP rs374576070, ClinGen allele CA4741471.